The following is an entry in ClinVar:

Single allele

Genes: CATSPER2 (cation channel sperm associated 2; minus strand), STRC (stereocilin; minus strand), LOC130056948 (ATAC-STARR-seq lymphoblastoid active region 9316; plus strand), LOC130056949 (ATAC-STARR-seq lymphoblastoid active region 9317; plus strand). Cytogenetic location: 15q15.3.
Variant type: Deletion.
Identifiers: ClinVar variation 560061 (VCV000560061.3).

ClinVar aggregate classification (germline): Pathogenic (1 of 4 stars; one submission).

Conditions:
Autosomal recessive nonsyndromic hearing loss 16. Also called: DEAFNESS, AUTOSOMAL RECESSIVE 16; DFNB16 Nonsyndromic Hearing Loss and Deafness. Identifiers: Orphanet 90636, MedGen C1863561, MONDO:0011364, OMIM 603720.

Submission:

Geisinger Autism and Developmental Medicine Institute, Geisinger Health System
Classification: Pathogenic for Autosomal recessive nonsyndromic hearing loss 16. Last evaluated: 2018-03-29. Review status: criteria provided, single submitter. Criteria: ACMG CNV Guidelines, 2011. Collection method: provider interpretation. Allele origin: unknown. Affected: yes.

Literature cited by the submitters: PubMed 11687802; PubMed 26011646.